The following is an entry in ClinVar:

NM_001171613.2(PREPL):c.1610A>G (p.Tyr537Cys)

Gene: PREPL (prolyl endopeptidase like; minus strand). Cytogenetic location: 2p21.
Variant type: single nucleotide variant.
Coding change: c.1610A>G on transcript NM_001171613.2 (MANE Select); coding-DNA position 1610, A replaced by G.
Protein change: p.Tyr537Cys; replaces tyrosine 537 with cysteine.
Molecular consequence: missense variant.
Genome position (GRCh38, 1-based): chr2:44,323,281, T>C on the plus strand (A>G on the coding strand, the complement: PREPL is on the minus strand). VCF-style: chr2-44323281-T-C. GRCh37 (hg19) VCF-style: chr2-44550420-T-C.
Other names: c.1877A>G, p.Tyr626Cys (NM_006036.4, NM_001171603.1, NM_001171606.2 and 2 more transcripts); c.1691A>G, p.Tyr564Cys (NM_001042385.2); c.1679A>G, p.Tyr560Cys (NM_001042386.2); c.1610A>G, p.Tyr537Cys (NM_001171617.1, NM_001374277.1); short protein forms Y626C, Y537C, Y560C, Y564C.
Identifiers: ClinVar variation 566760 (VCV000566760.6), dbSNP rs761490421, ClinGen allele CA1641039.

ClinVar aggregate classification (germline): Uncertain significance (1 of 4 stars; one submission).

Conditions:
Myasthenic syndrome, congenital, 22 (CMS22). Also called: PREPL DEFICIENCY. Identifiers: MedGen C4479088, MONDO:0044299, OMIM 616224.

Allele frequency attached by ClinVar (database versions not stated): gnomAD exomes below 0.00001; gnomAD 0.00001; ExAC 0.00002; TOPMed 0.00002.
gnomAD v4.1: 6 of 1,601,484 alleles (0.00037%); highest among the groups gnomAD compares: Non-Finnish European, 0.00034%; no homozygotes.

Submission:

Labcorp Genetics (formerly Invitae), Labcorp
Classification: Uncertain significance for Myasthenic syndrome, congenital, 22. Last evaluated: 2021-08-30. Review status: criteria provided, single submitter. Criteria: Invitae Variant Classification Sherloc (09022015). Collection method: clinical testing. Allele origin: germline.
Comment: This sequence change replaces tyrosine with cysteine at codon 626 of the PREPL protein (p.Tyr626Cys). The tyrosine residue is weakly conserved and there is a large physicochemical difference between tyrosine and cysteine. This variant is present in population databases (rs761490421, ExAC 0.003%). This variant has not been reported in the literature in individuals affected with PREPL-related conditions. Algorithms developed to predict the effect of missense changes on protein structure and function output the following: SIFT: "Tolerated"; PolyPhen-2: "Benign"; Align-GVGD: "Class C0". The cysteine amino acid residue is found in multiple mammalian species, which suggests that this missense change does not adversely affect protein function. In summary, the available evidence is currently insufficient to determine the role of this variant in disease. Therefore, it has been classified as a Variant of Uncertain Significance.